The following is an entry in ClinVar:

ClinVar aggregate classification (germline): Uncertain significance (1 of 4 stars; one submission).

Conditions:
Joubert syndrome. Also called: CEREBELLOPARENCHYMAL DISORDER IV; JOUBERT-BOLTSHAUSER SYNDROME; Familial aplasia of the vermis. Identifiers: Orphanet 475, MedGen C5979921, MONDO:0018772.
Nephronophthisis. Also called: Juvenile Nephronophthisis. Identifiers: Orphanet 655, MedGen C0687120, MONDO:0019005, HP:0000090.
Meckel-Gruber syndrome. Also called: DYSENCEPHALIA SPLANCHNOCYSTICA; GRUBER SYNDROME; Dysencephalia splachnocystica. Identifiers: Orphanet 564, MedGen C0265215, MONDO:0018921.

Submission:

Labcorp Genetics (formerly Invitae), Labcorp
Classification: Uncertain significance for Joubert syndrome; Meckel-Gruber syndrome; Nephronophthisis. Last evaluated: 2022-07-26. Review status: criteria provided, single submitter. Criteria: Invitae Variant Classification Sherloc (09022015). Collection method: clinical testing. Allele origin: germline.
Comment: In summary, the available evidence is currently insufficient to determine the role of this variant in disease. Therefore, it has been classified as a Variant of Uncertain Significance. Variants that disrupt the consensus splice site are a relatively common cause of aberrant splicing (PMID: 17576681, 9536098). Algorithms developed to predict the effect of sequence changes on RNA splicing suggest that this variant may disrupt the consensus splice site. Algorithms developed to predict the effect of missense changes on protein structure and function are either unavailable or do not agree on the potential impact of this missense change (SIFT: "Deleterious"; PolyPhen-2: "Probably Damaging"; Align-GVGD: "Class C0"). ClinVar contains an entry for this variant (Variation ID: 1407844). This variant has not been reported in the literature in individuals affected with CEP290-related conditions. This variant is not present in population databases (gnomAD no frequency). This sequence change replaces glycine, which is neutral and non-polar, with cysteine, which is neutral and slightly polar, at codon 1035 of the CEP290 protein (p.Gly1035Cys). This variant also falls at the last nucleotide of exon 27, which is part of the consensus splice site for this exon.

Literature cited by the submitters: PubMed 17576681; PubMed 9536098.

NM_025114.4(CEP290):c.3103G>T (p.Gly1035Cys)

Gene: CEP290 (centrosomal protein 290; minus strand). Cytogenetic location: 12q21.32.
Variant type: single nucleotide variant.
Coding change: c.3103G>T on transcript NM_025114.4 (MANE Select); coding-DNA position 3103, G replaced by T.
Protein change: p.Gly1035Cys; replaces glycine 1035 with cysteine.
Molecular consequence: missense variant.
Genome position (GRCh38, 1-based): chr12:88,096,888, C>A on the plus strand (G>T on the coding strand, the complement: CEP290 is on the minus strand). VCF-style: chr12-88096888-C-A. GRCh37 (hg19) VCF-style: chr12-88490665-C-A.
Other names: short protein forms G1035C.
Identifiers: ClinVar variation 1407844 (VCV001407844.8), dbSNP rs1195864585, ClinGen allele CA386006786.